The following is an entry in ClinVar:

NM_000516.7(GNAS):c.121C>T (p.His41Tyr)

Gene: GNAS (GNAS complex locus; plus strand). Cytogenetic location: 20q13.32.
Variant type: single nucleotide variant.
Coding change: c.121C>T on transcript NM_000516.7 (MANE Select); coding-DNA position 121, C replaced by T.
Protein change: p.His41Tyr; replaces histidine 41 with tyrosine.
Molecular consequence: missense variant. On other transcripts: intron variant (6).
Genome position (GRCh38, 1-based): chr20:58,891,847, C>T. VCF-style: chr20-58891847-C-T. GRCh37 (hg19) VCF-style: chr20-57466902-C-T.
Other names: c.121C>T, p.His41Tyr (NM_001077488.5, NM_001077489.4, NM_001309842.2 and 1 more transcripts); c.*43-3765C>T (NM_016592.5); c.-38-3765C>T (NM_001309861.2); c.*1-3765C>T (NM_001077490.3); c.2069-3765C>T (NM_080425.4); c.*159-3765C>T (NM_001309883.1); c.-39+2494C>T (NM_001309840.2); short protein forms H41Y.
Identifiers: ClinVar variation 2104894 (VCV002104894.4), dbSNP rs2516800364, ClinGen allele CA409449043.
Genomic context (GRCh38, chr20:58,891,847, plus strand): 5'-GAGGCCAACAAAAAGATCGAGAAGCAGCTGCAGAAGGACAAGCAGGTCTACCGGGCCACG[C>T]ACCGCCTGCTGCTGCTGGGTAAGGGCGGGCGGGGGGCGCCGGCCCCGGCCCGGGGGCCCT-3'
Protein context (NP_000507.1, residues 31-51): QKDKQVYRAT[His41Tyr]RLLLLGAGES

ClinVar aggregate classification (germline): Uncertain significance (1 of 4 stars; one submission).

Submission:

Labcorp Genetics (formerly Invitae), Labcorp
Classification: Uncertain significance. Last evaluated: 2025-09-02. Review status: criteria provided, single submitter. Criteria: Invitae Variant Classification Sherloc (09022015). Collection method: clinical testing. Allele origin: germline.
Comment: This sequence change replaces histidine, which is basic and polar, with tyrosine, which is neutral and polar, at codon 41 of the GNAS protein (p.His41Tyr). This variant is not present in population databases (gnomAD no frequency). This variant has not been reported in the literature in individuals affected with GNAS-related conditions. ClinVar contains an entry for this variant (Variation ID: 2104894). Invitae Evidence Modeling of protein sequence and biophysical properties (such as structural, functional, and spatial information, amino acid conservation, physicochemical variation, residue mobility, and thermodynamic stability) indicates that this missense variant is not expected to disrupt GNAS protein function with a negative predictive value of 80%. In summary, the available evidence is currently insufficient to determine the role of this variant in disease. Therefore, it has been classified as a Variant of Uncertain Significance.